The following is an entry in ClinVar:

ClinVar aggregate classification (germline): Conflicting classifications of pathogenicity. Review status: criteria provided, conflicting classifications (1 of 4 stars). 9 submissions from 9 submitters: Uncertain significance (1); Benign (7); Likely benign (1). Last evaluated 2026-09-01.

Conditions:
Primary ciliary dyskinesia. Also called: Ciliary dyskinesia. Identifiers: Orphanet 244, MedGen C0008780, MONDO:0016575, HP:0012265.
Primary ciliary dyskinesia 7. Also called: CILIARY DYSKINESIA, PRIMARY, 7, WITH OR WITHOUT SITUS INVERSUS. Identifiers: Orphanet 244, MedGen C2678473, MONDO:0012748, OMIM 611884.

Allele frequency attached by ClinVar (database versions not stated): 1000 Genomes Project 30x 0.00547; 1000 Genomes Project 0.00599; TOPMed 0.01096; gnomAD 0.01132 and 0.01156; ESP Exome Variant Server 0.01402.

Submissions (9):

CeGaT Center for Human Genetics Tuebingen
Classification: Benign. Last evaluated: 2026-09-01. Review status: criteria provided, single submitter. Criteria: CeGaT Center For Human Genetics Tuebingen Variant Classification Criteria Version 2. Collection method: clinical testing. Allele origin: germline. Affected: yes. Observed: 17 variant alleles.
Comment: DNAH11: BP4, BS1, BS2

Labcorp Genetics (formerly Invitae), Labcorp
Classification: Benign for Primary ciliary dyskinesia. Last evaluated: 2026-02-02. Review status: criteria provided, single submitter. Criteria: Invitae Variant Classification Sherloc (09022015). Collection method: clinical testing. Allele origin: germline.

ARUP Laboratories, Molecular Genetics and Genomics, ARUP Laboratories
Classification: Benign for Primary ciliary dyskinesia 7. Last evaluated: 2025-07-17. Review status: criteria provided, single submitter. Criteria: ARUP Molecular Germline Variant Investigation Process 2024. Collection method: clinical testing. Allele origin: germline.

Mayo Clinic Laboratories, Mayo Clinic
Classification: Benign. Last evaluated: 2025-05-19. Review status: criteria provided, single submitter. Criteria: ACMG Guidelines, 2015. Collection method: clinical testing. Allele origin: germline. Observed: 2 variant alleles.
Comment: BS1, BS2

Blueprint Genetics
Classification: Likely benign. Last evaluated: 2024-11-27. Review status: criteria provided, single submitter. Criteria: ACMG Guidelines, 2015. Collection method: clinical testing. Allele origin: germline.

Laboratory of Medical Genetics, National & Kapodistrian University of Athens
Classification: Uncertain significance for Primary ciliary dyskinesia 7. Last evaluated: 2021-10-01. Review status: criteria provided, single submitter. Criteria: ACMG Guidelines, 2015. Collection method: clinical testing. Allele origin: maternal. Affected: yes.
Comment: PM1, PP3, PP5, BS1, BS2

GeneDx
Classification: Benign. Last evaluated: 2021-02-22. Review status: criteria provided, single submitter. Criteria: GeneDx Variant Classification Process June 2021. Collection method: clinical testing. Allele origin: germline. Affected: yes.
Comment: This variant is associated with the following publications: (PMID: 31213628, 24450482, 12142464)

Laboratory for Molecular Medicine, Mass General Brigham Personalized Medicine
Classification: Benign. Last evaluated: 2013-02-21. Review status: criteria provided, single submitter. Criteria: LMM Criteria. Collection method: clinical testing. Allele origin: germline. Observed: 3 variant alleles.
Comment: Arg2997Gln in exon 55 of DNAH11: This variant is not expected to have clinical s ignificance because it has been identified in 1.9% (156/8366) of European Americ an chromosomes from a broad population by the NHLBI Exome Sequencing Project (dbSNP rs35865357).

PreventionGenetics, part of Exact Sciences
Classification: Benign. Review status: criteria provided, single submitter. Criteria: ACMG Guidelines, 2015. Collection method: clinical testing. Allele origin: germline.

Literature cited by the submitters: PubMed 12142464 (cited by Mayo Clinic Laboratories, Mayo Clinic); PubMed 24450482 (cited by Mayo Clinic Laboratories, Mayo Clinic); PubMed 31213628 (cited by Mayo Clinic Laboratories, Mayo Clinic); PubMed 34008892 (cited by Mayo Clinic Laboratories, Mayo Clinic and Laboratory of Medical Genetics, National & Kapodistrian University of Athens).

NM_001277115.2(DNAH11):c.8990G>A (p.Arg2997Gln)

Gene: DNAH11 (dynein axonemal heavy chain 11; plus strand). Cytogenetic location: 7p15.3.
Variant type: single nucleotide variant.
Coding change: c.8990G>A on transcript NM_001277115.2 (MANE Select); coding-DNA position 8990, G replaced by A.
Protein change: p.Arg2997Gln; replaces arginine 2997 with glutamine.
Molecular consequence: missense variant.
Genome position (GRCh38, 1-based): chr7:21,765,477, G>A. VCF-style: chr7-21765477-G-A. GRCh37 (hg19) VCF-style: chr7-21805095-G-A.
Other names: short protein forms R2997Q.
Identifiers: ClinVar variation 163116 (VCV000163116.51), dbSNP rs35865357, ClinGen allele CA175740.